The following is an entry in ClinVar:

NM_022168.4(IFIH1):c.2315AAG[1] (p.Glu773del)

Gene: IFIH1 (interferon induced with helicase C domain 1; minus strand). Cytogenetic location: 2q24.2.
Variant type: Microsatellite.
Coding change: c.2315AAG[1] on transcript NM_022168.4 (MANE Select); one copy of the 3-base unit AAG starting at c.2315; the reference has two copies in a row; one copy, 3 bases deleted.
Protein change: p.Glu773del; deletes glutamic acid 773.
Molecular consequence: inframe deletion.
Genome position (GRCh38, 1-based): chr2:162,273,929-162,273,931, CTT deleted on the plus strand (AAG on the coding strand, the reverse complement: IFIH1 is on the minus strand); deleting any 3 consecutive bases within chr2:162,273,929-162,273,934 gives the same sequence; the position shown is the placement nearest the transcript's 3' end. VCF-style (leftmost placement, unchanged base first): chr2-162273928-ACTT-A. GRCh37 (hg19) VCF-style: chr2-163130438-ACTT-A.
Other names: short protein forms E773del.
Identifiers: ClinVar variation 2934729 (VCV002934729.3), dbSNP rs2468954595, ClinGen allele CA2661688487.

ClinVar aggregate classification (germline): Uncertain significance (1 of 4 stars; one submission).

Conditions:
Aicardi-Goutieres syndrome 7 (AGS7). Identifiers: Orphanet 51, MedGen C3888244, MONDO:0014367, OMIM 615846.
Singleton-Merten syndrome 1 (SGMRT1). Also called: Widened medullary cavities of bone, aortic calcification, abnormal dentition, and muscular weakness; Syndrome of widened medullary cavities of the metacarpals and phalanges, aortic calcification and abnormal dentition. Identifiers: Orphanet 85191, MedGen C4225427, MONDO:0024535, OMIM 182250.

Submission:

Labcorp Genetics (formerly Invitae), Labcorp
Classification: Uncertain significance for Aicardi-Goutieres syndrome 7; Singleton-Merten syndrome 1. Last evaluated: 2023-10-24. Review status: criteria provided, single submitter. Criteria: Invitae Variant Classification Sherloc (09022015). Collection method: clinical testing. Allele origin: germline.
Comment: This variant, c.2318_2320del, results in the deletion of 1 amino acid(s) of the IFIH1 protein (p.Glu773del), but otherwise preserves the integrity of the reading frame. This variant is not present in population databases (gnomAD no frequency). This variant has not been reported in the literature in individuals affected with IFIH1-related conditions. Experimental studies and prediction algorithms are not available or were not evaluated, and the functional significance of this variant is currently unknown. In summary, the available evidence is currently insufficient to determine the role of this variant in disease. Therefore, it has been classified as a Variant of Uncertain Significance.